The following is an entry in ClinVar:

NM_201596.3(CACNB2):c.121-8_121-3del

Gene: CACNB2 (calcium voltage-gated channel auxiliary subunit beta 2; plus strand). Cytogenetic location: 10p12.33.
Variant type: Deletion.
Coding change: c.121-8_121-3del on transcript NM_201596.3 (MANE Select); 8 bases into the intron before coding-DNA position 121 through 3 bases into the intron before coding-DNA position 121, 6 bases deleted (TTTTTT; older notation c.121-8_121-3delTTTTTT).
Molecular consequence: intron variant.
Genome position (GRCh38, 1-based): chr10:18,150,875-18,150,880, TTTTTT deleted; deleting any 6 consecutive bases within chr10:18,150,856-18,150,880 gives the same sequence; the c. name uses the placement nearest the transcript's 3' end. VCF-style (leftmost placement, unchanged base first): chr10-18150855-CTTTTTT-C. GRCh37 (hg19) VCF-style: chr10-18439784-CTTTTTT-C.
Other names: c.37-8_37-3del (NM_201571.4, NM_001167945.2, NM_201572.4); c.121-8_121-3del (NM_201593.3, NM_201597.3).
Identifiers: ClinVar variation 4985760 (VCV004985760.1).
Genomic context (GRCh38, chr10:18,150,855, plus strand): 5'-GACATTTTCTGCAACTAGGCCTACATTCCTGTTAAAGGGTCTCATAATAATCTTATTTGT[CTTTTTT>C]TTTTTTTTTTTTTTTTTTTAGTCATATGGAAAAGGAGCCAGAAGGAAAAACAGATTTAAA-3'

ClinVar aggregate classification (germline): Likely benign (1 of 4 stars; one submission).

Conditions:
CACNB2-related disorder. Also called: CACNB2-related condition.

Submission:

PreventionGenetics, part of Exact Sciences
Classification: Likely benign for CACNB2-related condition. Last evaluated: 2025-06-17. Review status: criteria provided, single submitter. Criteria: ACMG Guidelines, 2015. Collection method: clinical testing. Allele origin: germline.
Comment: This variant is classified as likely benign based on ACMG/AMP sequence variant interpretation guidelines (Richards et al. 2015 PMID: 25741868, with internal and published modifications).